The following is an entry in ClinVar:

ClinVar aggregate classification (germline): Pathogenic (1 of 4 stars; one submission).

Conditions:
Hereditary spastic paraplegia 7 (SPG7). Also called: Spastic paraplegia 7; Hereditary spastic paraplegia Paraplegin type; SPASTIC PARAPLEGIA 7, AUTOSOMAL RECESSIVE, WITH OR WITHOUT CEREBELLAR ATAXIA; Autosomal recessive spastic paraplegia type 7; SPG7-related neurologic disorder. Identifiers: Orphanet 99013, MedGen C1846564, MONDO:0011803, OMIM 607259.

Submission:

Labcorp Genetics (formerly Invitae), Labcorp
Classification: Pathogenic for Spastic paraplegia 7. Last evaluated: 2019-12-10. Review status: criteria provided, single submitter. Criteria: Invitae Variant Classification Sherloc (09022015). Collection method: clinical testing. Allele origin: germline.
Comment: This variant is a gross deletion of the genomic region encompassing exon 1 of the SPG7 gene, which includes the initiator codon. The 3' boundary is likely confined to the intronic region between exons 1 and 2; the 5' end of this event is unknown as it extends beyond the assayed region for this gene and therefore may encompass additional genes. While this particular deletion has not been reported in the literature, loss of function variants in SPG7 are known to be pathogenic (PMID: 14985266, 9635427) and similar deletions have been reported in individuals affected with hereditary spastic paraplegia (PMID: 23065789, 22571692). For these reasons, this variant has been classified as Pathogenic.

Literature cited by the submitters: PubMed 23065789; PubMed 14985266; PubMed 22571692; PubMed 9635427.

NC_000016.10:g.(?_89508408)_(89508610_?)del

Genes: SPG7 (SPG7 matrix AAA peptidase subunit, paraplegin; plus strand), LOC130059818 (ATAC-STARR-seq lymphoblastoid silent region 7911; plus strand). Cytogenetic location: 16q24.3.
Variant type: Deletion.
Identifiers: ClinVar variation 658452 (VCV000658452.2).